The following is an entry in ClinVar:

NM_000834.5(GRIN2B):c.3601C>G (p.Leu1201Val)

Gene: GRIN2B (glutamate ionotropic receptor NMDA type subunit 2B; minus strand). Cytogenetic location: 12p13.1.
Variant type: single nucleotide variant.
Coding change: c.3601C>G on transcript NM_000834.5 (MANE Select); coding-DNA position 3601, C replaced by G.
Protein change: p.Leu1201Val; replaces leucine 1201 with valine.
Molecular consequence: missense variant.
Genome position (GRCh38, 1-based): chr12:13,563,637, G>C on the plus strand (C>G on the coding strand, the complement: GRIN2B is on the minus strand). VCF-style: chr12-13563637-G-C. GRCh37 (hg19) VCF-style: chr12-13716571-G-C.
Other names: c.3601C>G (NM_000834.3); short protein forms L1201V.
Identifiers: ClinVar variation 1061449 (VCV001061449.10), dbSNP rs1434222109, ClinGen allele CA383988162.
Genomic context (GRCh38, chr12:13,563,637, plus strand): 5'-TGGAGGGACAGCTGCGGCAGAAGTTGCCCCCGGACCGGTCCTCCCACTCCACGTTGGTCA[G>C]GTTCTTCTCCCAAGGTGCAGGTACCCCGCTGACCACGCCGTGTTTGTCGCCCGTCCCGTG-3'
Protein context (NP_000825.2, residues 1191-1211): SGVPAPWEKN[Leu1201Val]TNVEWEDRSG

ClinVar aggregate classification (germline): Uncertain significance. Review status: criteria provided, multiple submitters, no conflicts (2 of 4 stars). 2 submissions from 2 submitters: Uncertain significance (2). Last evaluated 2024-09-05.

Conditions:
Inborn genetic diseases. Identifiers: MedGen C0950123, MeSH D030342.
Developmental and epileptic encephalopathy, 27 (DEE27). Also called: GRIN2B-Related Neurodevelopmental Disorder; Epileptic encephalopathy, early infantile, 27. Identifiers: Orphanet 3451, MedGen C4015316, MONDO:0014505, OMIM 616139.
Intellectual developmental disorder, autosomal dominant 6, with or without seizures. Also called: Intellectual disability, autosomal dominant 6; GRIN2B-related developmental delay, intellectual disability and autism spectrum disorder. Identifiers: Orphanet 589547, MedGen C3151411, MONDO:0013509, OMIM 613970.

Allele frequency attached by ClinVar (database versions not stated): gnomAD exomes below 0.00001; TOPMed below 0.00001.
gnomAD v4.1: 1 of 1,613,860 alleles (0.000062%); highest among the groups gnomAD compares: Non-Finnish European, 0.000085%; no homozygotes.

Submissions (2):

Labcorp Genetics (formerly Invitae), Labcorp
Classification: Uncertain significance for Developmental and epileptic encephalopathy, 27; Intellectual developmental disorder, autosomal dominant 6, with or without seizures. Last evaluated: 2024-09-05. Review status: criteria provided, single submitter. Criteria: Invitae Variant Classification Sherloc (09022015). Collection method: clinical testing. Allele origin: germline.
Comment: This sequence change replaces leucine, which is neutral and non-polar, with valine, which is neutral and non-polar, at codon 1201 of the GRIN2B protein (p.Leu1201Val). This variant is present in population databases (no rsID available, gnomAD 0.0009%). This variant has not been reported in the literature in individuals affected with GRIN2B-related conditions. ClinVar contains an entry for this variant (Variation ID: 1061449). Invitae Evidence Modeling of protein sequence and biophysical properties (such as structural, functional, and spatial information, amino acid conservation, physicochemical variation, residue mobility, and thermodynamic stability) indicates that this missense variant is not expected to disrupt GRIN2B protein function with a negative predictive value of 95%. In summary, the available evidence is currently insufficient to determine the role of this variant in disease. Therefore, it has been classified as a Variant of Uncertain Significance.

Ambry Genetics
Classification: Uncertain significance for Inborn genetic diseases. Last evaluated: 2021-10-26. Review status: criteria provided, single submitter. Criteria: Ambry Variant Classification Scheme 2023. Collection method: clinical testing. Allele origin: germline.